The following is an entry in ClinVar:

NM_000136.3(FANCC):c.1150C>T (p.His384Tyr)

Genes: AOPEP (aminopeptidase O (putative); plus strand), FANCC (FA complementation group C; minus strand). Cytogenetic location: 9q22.32.
Variant type: single nucleotide variant.
Coding change: c.1150C>T on transcript NM_000136.3 (MANE Select); coding-DNA position 1150, C replaced by T.
Protein change: p.His384Tyr; replaces histidine 384 with tyrosine.
Molecular consequence: missense variant.
Genome position (GRCh38, 1-based): chr9:95,114,633, G>A on the plus strand (C>T on the coding strand, the complement: FANCC is on the minus strand). VCF-style: chr9-95114633-G-A. GRCh37 (hg19) VCF-style: chr9-97876915-G-A.
Other names: c.1150C>T, p.His384Tyr (NM_001243743.2, NM_001243744.2); short protein forms H384Y.
Identifiers: ClinVar variation 1427375 (VCV001427375.10), dbSNP rs1383057170, ClinGen allele CA374107909.

ClinVar aggregate classification (germline): Uncertain significance. Review status: criteria provided, multiple submitters, no conflicts (2 of 4 stars). 3 submissions from 3 submitters: Uncertain significance (3). Last evaluated 2024-08-01.

Conditions:
Hereditary cancer-predisposing syndrome. Also called: Tumor predisposition; Hereditary neoplastic syndrome; Neoplastic Syndromes, Hereditary; Hereditary Cancer Syndrome. Identifiers: Orphanet 140162, MedGen C0027672, MeSH D009386, MONDO:0015356.
Fanconi anemia (FA). Also called: Fanconi's anemia. Identifiers: Orphanet 84, MedGen C0015625, MeSH D005199, MONDO:0019391.

Allele frequency attached by ClinVar (database versions not stated): gnomAD exomes below 0.00001; gnomAD 0.00001.
gnomAD v4.1: 2 of 1,613,680 alleles (0.00012%); highest among the groups gnomAD compares: East Asian, 0.0045%; no homozygotes.

Submissions (3):

Labcorp Genetics (formerly Invitae), Labcorp
Classification: Uncertain significance for Fanconi anemia. Last evaluated: 2024-08-01. Review status: criteria provided, single submitter. Criteria: Invitae Variant Classification Sherloc (09022015). Collection method: clinical testing. Allele origin: germline.
Comment: This sequence change replaces histidine, which is basic and polar, with tyrosine, which is neutral and polar, at codon 384 of the FANCC protein (p.His384Tyr). The frequency data for this variant in the population databases is considered unreliable, as metrics indicate poor data quality at this position in the gnomAD database. This variant has not been reported in the literature in individuals affected with FANCC-related conditions. ClinVar contains an entry for this variant (Variation ID: 1427375). Advanced modeling of protein sequence and biophysical properties (such as structural, functional, and spatial information, amino acid conservation, physicochemical variation, residue mobility, and thermodynamic stability) performed at Invitae indicates that this missense variant is not expected to disrupt FANCC protein function with a negative predictive value of 80%. In summary, the available evidence is currently insufficient to determine the role of this variant in disease. Therefore, it has been classified as a Variant of Uncertain Significance.

GeneDx
Classification: Uncertain significance. Last evaluated: 2024-07-05. Review status: criteria provided, single submitter. Criteria: GeneDx Variant Classification Process June 2021. Collection method: clinical testing. Allele origin: germline. Affected: yes.
Comment: Not observed at significant frequency in large population cohorts (gnomAD); In silico analysis indicates that this missense variant does not alter protein structure/function; Has not been previously published as pathogenic or benign to our knowledge; This variant is associated with the following publications: (PMID: Gordon2000[Book])

Ambry Genetics
Classification: Uncertain significance for Hereditary cancer-predisposing syndrome. Last evaluated: 2023-08-30. Review status: criteria provided, single submitter. Criteria: Ambry Variant Classification Scheme 2023. Collection method: clinical testing. Allele origin: germline.
Comment: The p.H384Y variant (also known as c.1150C>T), located in coding exon 11 of the FANCC gene, results from a C to T substitution at nucleotide position 1150. The histidine at codon 384 is replaced by tyrosine, an amino acid with similar properties. This amino acid position is conserved. In addition, this alteration is predicted to be tolerated by in silico analysis. Since supporting evidence is limited at this time, the clinical significance of this alteration remains unclear.